The following is an entry in ClinVar:

NM_012318.3(LETM1):c.415C>G (p.Pro139Ala)

Gene: LETM1 (leucine zipper and EF-hand containing transmembrane protein 1; minus strand). Cytogenetic location: 4p16.3.
Variant type: single nucleotide variant.
Coding change: c.415C>G on transcript NM_012318.3 (MANE Select); coding-DNA position 415, C replaced by G.
Protein change: p.Pro139Ala; replaces proline 139 with alanine.
Molecular consequence: missense variant.
Genome position (GRCh38, 1-based): chr4:1,841,526, G>C on the plus strand (C>G on the coding strand, the complement: LETM1 is on the minus strand). VCF-style: chr4-1841526-G-C. GRCh37 (hg19) VCF-style: chr4-1843253-G-C.
Other names: short protein forms P139A.
Identifiers: ClinVar variation 1960103 (VCV001960103.5), dbSNP rs1255641794, ClinGen allele CA356009970.

ClinVar aggregate classification (germline): Uncertain significance (1 of 4 stars; one submission).

Submission:

Labcorp Genetics (formerly Invitae), Labcorp
Classification: Uncertain significance. Last evaluated: 2022-08-15. Review status: criteria provided, single submitter. Criteria: Invitae Variant Classification Sherloc (09022015). Collection method: clinical testing. Allele origin: germline.
Comment: This sequence change replaces proline, which is neutral and non-polar, with alanine, which is neutral and non-polar, at codon 139 of the LETM1 protein (p.Pro139Ala). In summary, the available evidence is currently insufficient to determine the role of this variant in disease. Therefore, it has been classified as a Variant of Uncertain Significance. Algorithms developed to predict the effect of missense changes on protein structure and function (SIFT, PolyPhen-2, Align-GVGD) all suggest that this variant is likely to be tolerated. This variant has not been reported in the literature in individuals affected with LETM1-related conditions. This variant is not present in population databases (gnomAD no frequency).